The following is an entry in ClinVar:

NM_004172.5(SLC1A3):c.1157T>C (p.Val386Ala)

Genes: SLC1A3 (solute carrier family 1 member 3; plus strand), SLC1A3-AS1 (SLC1A3 antisense RNA 1; minus strand). Cytogenetic location: 5p13.2.
Variant type: single nucleotide variant.
Coding change: c.1157T>C on transcript NM_004172.5 (MANE Select); coding-DNA position 1157, T replaced by C.
Protein change: p.Val386Ala; replaces valine 386 with alanine.
Molecular consequence: missense variant.
Genome position (GRCh38, 1-based): chr5:36,680,457, T>C. VCF-style: chr5-36680457-T-C. GRCh37 (hg19) VCF-style: chr5-36680559-T-C.
Other names: c.1157T>C, p.Val386Ala (NM_001166695.3); c.1019T>C, p.Val340Ala (NM_001289939.2); c.821T>C, p.Val274Ala (NM_001289940.2); short protein forms V274A, V340A, V386A.
Identifiers: ClinVar variation 2655407 (VCV002655407.24), dbSNP rs2478163033, ClinGen allele CA359482297.

ClinVar aggregate classification (germline): Uncertain significance (1 of 4 stars; one submission).

Allele frequency attached by ClinVar (database versions not stated): gnomAD exomes below 0.00001.
gnomAD v4.1: 2 of 1,614,192 alleles (0.00012%); highest among the groups gnomAD compares: Admixed American, 0.0017%; no homozygotes.

Submission:

CeGaT Center for Human Genetics Tuebingen
Classification: Uncertain significance. Last evaluated: 2022-12-01. Review status: criteria provided, single submitter. Criteria: CeGaT Center For Human Genetics Tuebingen Variant Classification Criteria Version 2. Collection method: clinical testing. Allele origin: germline. Affected: yes. Observed: 1 variant allele.
Comment: SLC1A3: PM2